The following is an entry in ClinVar:

ClinVar aggregate classification (germline): Likely benign. Review status: criteria provided, multiple submitters, no conflicts (2 of 4 stars). 2 submissions from 2 submitters: Likely benign (2). Last evaluated 2025-02-20.

Allele frequency attached by ClinVar (database versions not stated): gnomAD 0.00015; 1000 Genomes Project 30x 0.00016; 1000 Genomes Project 0.00020; ExAC 0.00025.
gnomAD v4.1: 234 of 1,612,756 alleles (0.015%); highest among the groups gnomAD compares: Admixed American, 0.032%; no homozygotes.

Submissions (2):

Ambry Genetics
Classification: Likely benign. Last evaluated: 2025-02-20. Review status: criteria provided, single submitter. Criteria: Ambry Variant Classification Scheme 2023. Collection method: clinical testing. Allele origin: germline.

CeGaT Center for Human Genetics Tuebingen
Classification: Likely benign. Last evaluated: 2022-07-01. Review status: criteria provided, single submitter. Criteria: CeGaT Center For Human Genetics Tuebingen Variant Classification Criteria Version 2. Collection method: clinical testing. Allele origin: germline. Affected: yes. Observed: 1 variant allele.
Comment: ANKS1A: BP4, BP7

NM_015245.3(ANKS1A):c.3267G>A (p.Pro1089=)

Gene: ANKS1A (ankyrin repeat and sterile alpha motif domain containing 1A; plus strand). Cytogenetic location: 6p21.31.
Variant type: single nucleotide variant.
Coding change: c.3267G>A on transcript NM_015245.3 (MANE Select); coding-DNA position 3267, G replaced by A.
Protein change: p.Pro1089=; no amino-acid change (proline 1089 retained).
Molecular consequence: synonymous variant.
Genome position (GRCh38, 1-based): chr6:35,085,900, G>A. VCF-style: chr6-35085900-G-A. GRCh37 (hg19) VCF-style: chr6-35053677-G-A.
Other names: c.3267G>A (NM_015245.2).
Identifiers: ClinVar variation 2656506 (VCV002656506.25), dbSNP rs202217863, ClinGen allele CA3768467.
Genomic context (GRCh38, chr6:35,085,900, plus strand): 5'-GAAGTCCAGGGCGACGGGCGCCTCTGCAGCTGAGATGATTGAAACAAAATCTTCCAAACC[G>A]GTGCCTAAGCCTCGGGTCGGCGTGAGGAAATCCGCAGTACGTGGGCCCCACTGGCCAAGA-3'
Protein context (NP_056060.2, residues 1079-1099): AEMIETKSSK[Pro1089=]VPKPRVGVRK